The following is an entry in ClinVar:

ClinVar aggregate classification (germline): Uncertain significance. Review status: criteria provided, multiple submitters, no conflicts (2 of 4 stars). 3 submissions from 3 submitters: Uncertain significance (2). 1 of the submissions does not count toward it. Last evaluated 2023-12-13.

Conditions:
Deficiency of hydroxymethylglutaryl-CoA lyase (HMGCLD). Also called: HMG-CoA LYASE DEFICIENCY; HMGCL DEFICIENCY; HYDROXYMETHYLGLUTARIC ACIDURIA; Defect in leucine metabolism; 3-hydroxy-3-methylglutaric aciduria. Identifiers: Orphanet 20, MedGen C1533587, MONDO:0009520, OMIM 246450.

Allele frequency attached by ClinVar (database versions not stated): gnomAD 0.00001 and 0.00002; gnomAD exomes 0.00001; TOPMed 0.00001.

Submissions (3):

Women's Health and Genetics/Laboratory Corporation of America, LabCorp
Classification: Uncertain significance. Last evaluated: 2023-12-13. Review status: criteria provided, single submitter. Criteria: LabCorp Variant Classification Summary - May 2015. Collection method: clinical testing. Allele origin: germline.
Comment: Variant summary: HMGCL c.704A>G (p.His235Arg) results in a non-conservative amino acid change located in the Pyruvate carboxyltransferase (IPR000891) of the encoded protein sequence. Five of five in-silico tools predict a damaging effect of the variant on protein function. The variant allele was found at a frequency of 8e-06 in 251422 control chromosomes. The available data on variant occurrences in the general population are insufficient to allow any conclusion about variant significance. c.704A>G has been reported in the literature in at least one compound heterozygous individual affected with HMG-CoA Lyase Deficiency (e.g. Roland_2017). These report(s) do not provide unequivocal conclusions about association of the variant with HMG-CoA Lyase Deficiency. To our knowledge, no experimental evidence demonstrating an impact on protein function has been reported. The following publication has been ascertained in the context of this evaluation (PMID: 28396157). Two submitters have cited clinical-significance assessments for this variant to ClinVar after 2014. All submitters classified the variant as uncertain significance. Based on the evidence outlined above, the variant was classified as uncertain significance.

Labcorp Genetics (formerly Invitae), Labcorp
Classification: Uncertain significance for Deficiency of hydroxymethylglutaryl-CoA lyase. Last evaluated: 2021-09-01. Review status: criteria provided, single submitter. Criteria: Invitae Variant Classification Sherloc (09022015). Collection method: clinical testing. Allele origin: germline.
Comment: This sequence change replaces histidine with arginine at codon 235 of the HMGCL protein (p.His235Arg). The histidine residue is highly conserved and there is a small physicochemical difference between histidine and arginine. This variant is not present in population databases (ExAC no frequency). This variant has not been reported in the literature in individuals affected with HMGCL-related conditions. Algorithms developed to predict the effect of missense changes on protein structure and function (SIFT, PolyPhen-2, Align-GVGD) all suggest that this variant is likely to be disruptive. In summary, the available evidence is currently insufficient to determine the role of this variant in disease. Therefore, it has been classified as a Variant of Uncertain Significance.

Natera, Inc.
Classification: Uncertain significance for HMG-CoA lyase deficiency. Last evaluated: 2020-08-28. Review status: no assertion criteria provided. Collection method: clinical testing. Allele origin: germline. Not counted in ClinVar's aggregate classification.

Literature cited by the submitters: PubMed 28396157 (cited by Women's Health and Genetics/Laboratory Corporation of America, LabCorp).

NM_000191.3(HMGCL):c.704A>G (p.His235Arg)

Gene: HMGCL (3-hydroxy-3-methylglutaryl-CoA lyase; minus strand). Cytogenetic location: 1p36.11.
Variant type: single nucleotide variant.
Coding change: c.704A>G on transcript NM_000191.3 (MANE Select); coding-DNA position 704, A replaced by G.
Protein change: p.His235Arg; replaces histidine 235 with arginine.
Molecular consequence: missense variant.
Genome position (GRCh38, 1-based): chr1:23,808,181, T>C on the plus strand (A>G on the coding strand, the complement: HMGCL is on the minus strand). VCF-style: chr1-23808181-T-C. GRCh37 (hg19) VCF-style: chr1-24134671-T-C.
Other names: c.491A>G, p.His164Arg (NM_001166059.2); short protein forms H164R, H235R.
Identifiers: ClinVar variation 991794 (VCV000991794.3), dbSNP rs990313450, ClinGen allele CA19292082.